The following is an entry in ClinVar:

NM_181712.5(KANK4):c.2114A>G (p.Lys705Arg)

Gene: KANK4 (KN motif and ankyrin repeat domains 4; minus strand). Cytogenetic location: 1p31.3.
Variant type: single nucleotide variant.
Coding change: c.2114A>G on transcript NM_181712.5 (MANE Select); coding-DNA position 2114, A replaced by G.
Protein change: p.Lys705Arg; replaces lysine 705 with arginine.
Molecular consequence: missense variant.
Genome position (GRCh38, 1-based): chr1:62,268,404, T>C on the plus strand (A>G on the coding strand, the complement: KANK4 is on the minus strand). VCF-style: chr1-62268404-T-C. GRCh37 (hg19) VCF-style: chr1-62734076-T-C.
Other names: c.230A>G, p.Lys77Arg (NM_001320269.2); c.2114A>G (NM_181712.4); short protein forms K705R, K77R.
Identifiers: ClinVar variation 2699110 (VCV002699110.4), dbSNP rs2545976957, ClinGen allele CA340603193.

ClinVar aggregate classification (germline): Conflicting classifications of pathogenicity. Review status: criteria provided, conflicting classifications (1 of 4 stars). 2 submissions from 2 submitters: Uncertain significance (1); Likely benign (1). Last evaluated 2024-02-28.

Allele frequency attached by ClinVar (database versions not stated): gnomAD exomes below 0.00001.
gnomAD v4.1: 2 of 1,614,074 alleles (0.00012%); highest among the groups gnomAD compares: Non-Finnish European, 0.000085%; no homozygotes.

Submissions (2):

Ambry Genetics
Classification: Likely benign. Last evaluated: 2024-02-28. Review status: criteria provided, single submitter. Criteria: Ambry Variant Classification Scheme 2023. Collection method: clinical testing. Allele origin: germline.

Labcorp Genetics (formerly Invitae), Labcorp
Classification: Uncertain significance. Last evaluated: 2023-12-03. Review status: criteria provided, single submitter. Criteria: Invitae Variant Classification Sherloc (09022015). Collection method: clinical testing. Allele origin: germline.
Comment: This sequence change replaces lysine, which is basic and polar, with arginine, which is basic and polar, at codon 705 of the KANK4 protein (p.Lys705Arg). This variant is not present in population databases (gnomAD no frequency). This variant has not been reported in the literature in individuals affected with KANK4-related conditions. Algorithms developed to predict the effect of missense changes on protein structure and function output the following: SIFT: "Not Available"; PolyPhen-2: "Benign"; Align-GVGD: "Not Available". The arginine amino acid residue is found in multiple mammalian species, which suggests that this missense change does not adversely affect protein function. Algorithms developed to predict the effect of sequence changes on RNA splicing suggest that this variant may create or strengthen a splice site. In summary, the available evidence is currently insufficient to determine the role of this variant in disease. Therefore, it has been classified as a Variant of Uncertain Significance.